The following is an entry in ClinVar:

NM_001197104.2(KMT2A):c.991C>G (p.Arg331Gly)

Gene: KMT2A (lysine methyltransferase 2A; plus strand). Cytogenetic location: 11q23.3.
Variant type: single nucleotide variant.
Coding change: c.991C>G on transcript NM_001197104.2 (MANE Select); coding-DNA position 991, C replaced by G.
Protein change: p.Arg331Gly; replaces arginine 331 with glycine.
Molecular consequence: missense variant.
Genome position (GRCh38, 1-based): chr11:118,472,150, C>G. VCF-style: chr11-118472150-C-G. GRCh37 (hg19) VCF-style: chr11-118342865-C-G.
Other names: c.991C>G, p.Arg331Gly (NM_005933.4); short protein forms R331G.
Identifiers: ClinVar variation 1429914 (VCV001429914.6), dbSNP rs368926838, ClinGen allele CA229521128.

ClinVar aggregate classification (germline): Uncertain significance (1 of 4 stars; one submission).

Allele frequency attached by ClinVar (database versions not stated): ESP Exome Variant Server 0.00008.
gnomAD v4.1: 4 of 1,613,774 alleles (0.00025%); highest among the groups gnomAD compares: African/African-American, 0.0053%; no homozygotes.

Submission:

Labcorp Genetics (formerly Invitae), Labcorp
Classification: Uncertain significance. Last evaluated: 2022-10-24. Review status: criteria provided, single submitter. Criteria: Invitae Variant Classification Sherloc (09022015). Collection method: clinical testing. Allele origin: germline.
Comment: This sequence change replaces arginine, which is basic and polar, with glycine, which is neutral and non-polar, at codon 331 of the KMT2A protein (p.Arg331Gly). This variant is present in population databases (rs368926838, gnomAD 0.009%). This variant has not been reported in the literature in individuals affected with KMT2A-related conditions. ClinVar contains an entry for this variant (Variation ID: 1429914). Advanced modeling of protein sequence and biophysical properties (such as structural, functional, and spatial information, amino acid conservation, physicochemical variation, residue mobility, and thermodynamic stability) has been performed at Invitae for this missense variant, however the output from this modeling did not meet the statistical confidence thresholds required to predict the impact of this variant on KMT2A protein function. In summary, the available evidence is currently insufficient to determine the role of this variant in disease. Therefore, it has been classified as a Variant of Uncertain Significance.